The following is an entry in ClinVar:

ClinVar aggregate classification (germline): Likely pathogenic (1 of 4 stars; one submission).

Conditions:
Juvenile neuronal ceroid lipofuscinosis. Also called: Batten Disease. Identifiers: Orphanet 79264, MedGen CN293564, MONDO:0019262.

Submission:

Natera, Inc.
Classification: Likely pathogenic for Batten Disease. Last evaluated: 2024-10-15. Review status: criteria provided, single submitter. Criteria: Natera Variant Classification Schema (03/2026). Collection method: clinical testing. Allele origin: germline.
Comment: The c.282dup variant in CLN3 is a frameshift variant predicted to shift the reading frame beginning at codon 95 and leads to a stop codon 65 codons downstream. This variant is expected to result in nonsense mediated decay, truncation, or a dysfunctional protein product. This variant is rare in the general population with a frequency below the threshold expected for the associated phenotype(s). Given the available evidence, this variant is classified as Likely Pathogenic.

NM_001042432.2(CLN3):c.282dup (p.Val95fs)

Gene: CLN3 (CLN3 lysosomal/endosomal transmembrane protein, battenin; minus strand). Cytogenetic location: 16p12.1.
Variant type: Duplication.
Coding change: c.282dup on transcript NM_001042432.2 (MANE Select); coding-DNA position 282, one base duplicated (T; older notation c.282dupT).
Protein change: p.Val95fs; shifts the reading frame from valine 95.
Molecular consequence: frameshift variant. On other transcripts: intron variant (2).
Genome position (GRCh38, 1-based): chr16:28,488,603, A duplicated on the plus strand (T on the coding strand, the reverse complement: CLN3 is on the minus strand). VCF-style (leftmost placement, unchanged base first): chr16-28488602-C-CA. GRCh37 (hg19) VCF-style: chr16-28499923-C-CA.
Other names: c.282dup, p.Val95fs (NM_000086.2); c.62dup, p.Ser22fs (NM_001286105.2); c.120dup, p.Val41fs (NM_001286110.2); c.60+687dup (NM_001286109.2); c.222+687dup (NM_001286104.2); short protein forms S22fs, V41fs, V95fs.
Identifiers: ClinVar variation 4817049 (VCV004817049.1).
Genomic context (GRCh38, chr16:28,488,602, plus strand): 5'-GACCCAGGGGCCCTGGGTCAGGCAAGGACCAGGTGAGATGAGTACGCACAGCCGTAGAGA[C>CA]AGAGTTGCAGTCAAATCGTGATGAGCTGTTGTGGGGGATCGGCGTTGGGCCTGGGTCCAC-3'